The following is an entry in ClinVar:

NM_147127.5(EVC2):c.2467G>A (p.Ala823Thr)

Gene: EVC2 (EvC ciliary complex subunit 2; minus strand). Cytogenetic location: 4p16.2.
Variant type: single nucleotide variant.
Coding change: c.2467G>A on transcript NM_147127.5 (MANE Select); coding-DNA position 2467, G replaced by A.
Protein change: p.Ala823Thr; replaces alanine 823 with threonine.
Molecular consequence: missense variant.
Genome position (GRCh38, 1-based): chr4:5,622,571, C>T on the plus strand (G>A on the coding strand, the complement: EVC2 is on the minus strand). VCF-style: chr4-5622571-C-T. GRCh37 (hg19) VCF-style: chr4-5624298-C-T.
Other names: c.2227G>A, p.Ala743Thr (NM_001166136.2); short protein forms A743T, A823T.
Identifiers: ClinVar variation 2419076 (VCV002419076.6), dbSNP rs1012660347, ClinGen allele CA356144368.

ClinVar aggregate classification (germline): Uncertain significance (1 of 4 stars; one submission).

Conditions:
Curry-Hall syndrome (WAD). Also called: WEYERS ACRODENTAL DYSOSTOSIS. Identifiers: Orphanet 952, MedGen C0457013, MONDO:0008673, OMIM 193530.
Ellis-van Creveld syndrome (EVC). Also called: EVC-Related Ellis-van Creveld Syndrome; EVC2-Related Ellis-van Creveld Syndrome; Chondroectodermal dysplasia; MESOECTODERMAL DYSPLASIA. Identifiers: Orphanet 289, MedGen C0013903, MONDO:0009162, OMIM 225500.

Allele frequency attached by ClinVar (database versions not stated): gnomAD exomes below 0.00001.
gnomAD v4.1: 1 of 1,614,040 alleles (0.000062%); highest among the groups gnomAD compares: Non-Finnish European, 0.000085%; no homozygotes.

Submission:

Labcorp Genetics (formerly Invitae), Labcorp
Classification: Uncertain significance for Curry-Hall syndrome; Ellis-van Creveld syndrome. Last evaluated: 2022-10-29. Review status: criteria provided, single submitter. Criteria: Invitae Variant Classification Sherloc (09022015). Collection method: clinical testing. Allele origin: germline.
Comment: This variant is not present in population databases (gnomAD no frequency). This sequence change replaces alanine, which is neutral and non-polar, with threonine, which is neutral and polar, at codon 823 of the EVC2 protein (p.Ala823Thr). This variant has not been reported in the literature in individuals affected with EVC2-related conditions. In summary, the available evidence is currently insufficient to determine the role of this variant in disease. Therefore, it has been classified as a Variant of Uncertain Significance. Algorithms developed to predict the effect of missense changes on protein structure and function (SIFT, PolyPhen-2, Align-GVGD) all suggest that this variant is likely to be tolerated.